The following is an entry in ClinVar:

ClinVar aggregate classification (germline): Uncertain significance (1 of 4 stars; one submission).

Conditions:
Primary dilated cardiomyopathy (DCM). Also called: Dilated Cardiomyopathy. Identifiers: Orphanet 217604, MedGen C0007193, MeSH D002311, MONDO:0005021, HP:0001644. Inheritance: Various modes of inheritance.

Submission:

Labcorp Genetics (formerly Invitae), Labcorp
Classification: Uncertain significance for Primary dilated cardiomyopathy. Last evaluated: 2021-02-23. Review status: criteria provided, single submitter. Criteria: Invitae Variant Classification Sherloc (09022015). Collection method: clinical testing. Allele origin: germline.
Comment: This variant is not present in population databases (ExAC no frequency). This sequence change creates a premature translational stop signal (p.Asn955Lysfs*16) in the NEBL gene. While this is not anticipated to result in nonsense mediated decay, it is expected to disrupt the last 60 amino acid(s) of the NEBL protein. This variant has not been reported in the literature in individuals with NEBL-related conditions. Experimental studies and prediction algorithms are not available or were not evaluated, and the functional significance of this variant is currently unknown. In summary, the available evidence is currently insufficient to determine the role of this variant in disease. Therefore, it has been classified as a Variant of Uncertain Significance.

NM_006393.3(NEBL):c.2864dup (p.Asn955fs)

Gene: NEBL (nebulette; minus strand). Cytogenetic location: 10p12.31.
Variant type: Duplication.
Coding change: c.2864dup on transcript NM_006393.3 (MANE Select); coding-DNA position 2864, one base duplicated (A; older notation c.2864dupA).
Protein change: p.Asn955fs; shifts the reading frame from asparagine 955.
Molecular consequence: frameshift variant.
Genome position (GRCh38, 1-based): chr10:20,787,206, T duplicated on the plus strand (A on the coding strand, the reverse complement: NEBL is on the minus strand); the first of 3 consecutive T bases (chr10:20,787,206-20,787,208); duplicating any one gives the same sequence. VCF-style (leftmost placement, unchanged base first): chr10-20787205-A-AT. GRCh37 (hg19) VCF-style: chr10-21076134-A-AT.
Other names: c.632dup, p.Asn211fs (NM_001173484.2, NM_213569.2); c.725dup, p.Asn242fs (NM_001377322.1); c.584dup, p.Asn195fs (NM_001377323.1); c.575dup, p.Asn192fs (NM_001377324.1); c.566dup, p.Asn189fs (NM_001377325.1); c.524dup, p.Asn175fs (NM_001377326.1, NM_001377327.1, NM_001377328.1); short protein forms N175fs, N211fs, N242fs, N189fs, N195fs, N192fs, N955fs.
Identifiers: ClinVar variation 1522923 (VCV001522923.6), dbSNP rs2131618949, ClinGen allele CA2573145017.
Genomic context (GRCh38, chr10:20,787,205, plus strand): 5'-TGCTTGAGGGGAAATGGGAAGACCAGCTAAGGAGGAACGTATCAAATGGACACTTACTAG[A>AT]TTTGGTGAATGCTGCATTGATCTCATGGATGACACACTGGTCTGGTGCATGTAGCCATAG-3'